The following is an entry in ClinVar:

ClinVar aggregate classification (germline): Conflicting classifications of pathogenicity. Review status: criteria provided, conflicting classifications (1 of 4 stars). 2 submissions from 2 submitters: Uncertain significance (1); Likely benign (1). Last evaluated 2026-03-01.

Allele frequency attached by ClinVar (database versions not stated): gnomAD 0.00001; gnomAD exomes 0.00002; ExAC 0.00006.
gnomAD v4.1: 25 of 1,549,702 alleles (0.0016%); highest among the groups gnomAD compares: Non-Finnish European, 0.0011%; no homozygotes.

Submissions (2):

CeGaT Center for Human Genetics Tuebingen
Classification: Likely benign. Last evaluated: 2026-03-01. Review status: criteria provided, single submitter. Criteria: CeGaT Center For Human Genetics Tuebingen Variant Classification Criteria Version 2. Collection method: clinical testing. Allele origin: germline. Affected: yes. Observed: 1 variant allele.
Comment: ERBIN: BP4

Labcorp Genetics (formerly Invitae), Labcorp
Classification: Uncertain significance. Last evaluated: 2022-11-22. Review status: criteria provided, single submitter. Criteria: Invitae Variant Classification Sherloc (09022015). Collection method: clinical testing. Allele origin: germline.
Comment: This variant has not been reported in the literature in individuals affected with ERBIN-related conditions. In summary, the available evidence is currently insufficient to determine the role of this variant in disease. Therefore, it has been classified as a Variant of Uncertain Significance. Algorithms developed to predict the effect of missense changes on protein structure and function are either unavailable or do not agree on the potential impact of this missense change (SIFT: "Deleterious"; PolyPhen-2: "Benign"; Align-GVGD: "Class C0"). This variant is present in population databases (rs753574124, gnomAD 0.01%). This sequence change replaces threonine, which is neutral and polar, with isoleucine, which is neutral and non-polar, at codon 1216 of the ERBIN protein (p.Thr1216Ile).

NM_001253697.2(ERBIN):c.3647C>T (p.Thr1216Ile)

Gene: ERBIN (erbb2 interacting protein; plus strand). Cytogenetic location: 5q12.3.
Variant type: single nucleotide variant.
Coding change: c.3647C>T on transcript NM_001253697.2 (MANE Select); coding-DNA position 3647, C replaced by T.
Protein change: p.Thr1216Ile; replaces threonine 1216 with isoleucine.
Molecular consequence: missense variant. On other transcripts: intron variant (5).
Genome position (GRCh38, 1-based): chr5:66,072,182, C>T. VCF-style: chr5-66072182-C-T. GRCh37 (hg19) VCF-style: chr5-65368010-C-T.
Other names: c.3778-2842C>T (NM_001253699.2); c.3634-2842C>T (NM_018695.4, NM_001253698.2); c.3634-4134C>T (NM_001006600.3); c.3622-2842C>T (NM_001253701.2); short protein forms T1216I.
Identifiers: ClinVar variation 1962537 (VCV001962537.9), dbSNP rs753574124, ClinGen allele CA3286710.